The following is an entry in ClinVar:

NM_004333.6(BRAF):c.1502A>T (p.Glu501Val)

Gene: BRAF (B-Raf proto-oncogene, serine/threonine kinase; minus strand). Cytogenetic location: 7q34.
Variant type: single nucleotide variant.
Coding change: c.1502A>T on transcript NM_004333.6 (MANE Select); coding-DNA position 1502, A replaced by T.
Protein change: p.Glu501Val; replaces glutamic acid 501 with valine.
Molecular consequence: missense variant.
Genome position (GRCh38, 1-based): chr7:140,778,006, T>A on the plus strand (A>T on the coding strand, the complement: BRAF is on the minus strand). VCF-style: chr7-140778006-T-A. GRCh37 (hg19) VCF-style: chr7-140477806-T-A.
Other names: p.E501V:GAA>GTA; c.1502A>T, p.Glu501Val (NM_001354609.2, NM_001378468.1, NM_001378474.1); c.1622A>T, p.Glu541Val (NM_001374244.1, NM_001374258.1); c.1511A>T, p.Glu504Val (NM_001378467.1); c.1436A>T, p.Glu479Val (NM_001378469.1); c.1400A>T, p.Glu467Val (NM_001378470.1); c.1391A>T, p.Glu464Val (NM_001378471.1); c.1346A>T, p.Glu449Val (NM_001378472.1, NM_001378473.1); and 1 more; short protein forms E501V, E467V, E479V, E449V, E464V, E541V, E413V, E504V.
Identifiers: ClinVar variation 40374 (VCV000040374.17), dbSNP rs180177039, ClinGen allele CA280013.

ClinVar aggregate classification (germline): Pathogenic/Likely pathogenic. Review status: criteria provided, multiple submitters, no conflicts (2 of 4 stars). 5 submissions from 5 submitters: Pathogenic (3); Likely pathogenic (1). 1 of the submissions does not count toward it. Last evaluated 2022-05-18.

Conditions:
Cardio-facio-cutaneous syndrome. Also called: Cardiofaciocutaneous syndrome; CFC syndrome. Identifiers: Orphanet 1340, MedGen C1275081, MONDO:0015280. Disease mechanism: gain of function.
RASopathy. Also called: Noonan spectrum disorder; rasopathies. Identifiers: Orphanet 536391, MedGen C5555857, MONDO:0021060.
Cardiofaciocutaneous syndrome 1 (CFC1). Also called: BRAF-Related Cardiofaciocutaneous Syndrome. Identifiers: Orphanet 1340, MedGen CN029449, MONDO:0007265, OMIM 115150. Disease mechanism: gain of function.

Submissions (5):

GeneDx
Classification: Pathogenic. Last evaluated: 2022-05-18. Review status: criteria provided, single submitter. Criteria: GeneDx Variant Classification Process June 2021. Collection method: clinical testing. Allele origin: germline. Affected: yes.
Comment: Not observed at significant frequency in large population cohorts (gnomAD); In silico analysis supports that this missense variant has a deleterious effect on protein structure/function; Missense variants in this gene are often considered pathogenic (HGMD); This variant is associated with the following publications: (PMID: 24803665, 18039235, 30094826, 33040082, 17704260)

3billion
Classification: Pathogenic for Cardiofaciocutaneous syndrome 1. Last evaluated: 2021-10-02. Review status: criteria provided, single submitter. Criteria: ACMG Guidelines, 2015. Collection method: clinical testing. Allele origin: germline. Affected: yes. Observed: 1 heterozygote.
Comment: Same nucleotide change resulting in same amino acid change has been previously reported as pathogenic (VCV000040374.2, PMID: 17704260, PS1). The missense variant is located in a mutational hot spot and/or well-established functional domain in which established pathogenic variants have been reported (PM1). It is not observed in the gnomAD v2.1.1 dataset (PM2). A different missense change (p.Glu501Lys, p.Glu501Gly, p.Glu501Ala) at the same codon has been reported as pathogenic (ClinVar ID: VCV000013977.4, VCV000013978.7, VCV000040373.5, PM5). The variant was observed as assumed (i.e. paternity and maternity not confirmed) de novoo (3billion dataset, PM6). In silico tool predictions suggest damaging effect of the variant on gene or gene product (REVEL: 0.995, 3Cnet: 0.999, PP3). Therefore, this variant is classified as pathogenic according to the recommendation of ACMG/AMP guideline.

Labcorp Genetics (formerly Invitae), Labcorp
Classification: Pathogenic for RASopathy. Last evaluated: 2021-07-03. Review status: criteria provided, single submitter. Criteria: Invitae Variant Classification Sherloc (09022015). Collection method: clinical testing. Allele origin: germline.
Comment: This variant has been observed in individuals with cardiofaciocutaneous syndrome (PMID: 18039235, 30094826). For these reasons, this variant has been classified as Pathogenic. This variant disrupts the p.Glu501 amino acid residue in BRAF. Other variant(s) that disrupt this residue have been determined to be pathogenic (Invitae). This suggests that this residue is clinically significant, and that variants that disrupt this residue are likely to be disease-causing. Advanced modeling of protein sequence and biophysical properties (such as structural, functional, and spatial information, amino acid conservation, physicochemical variation, residue mobility, and thermodynamic stability) performed at Invitae indicates that this missense variant is expected to disrupt BRAF protein function. ClinVar contains an entry for this variant (Variation ID: 40374). This variant is not present in population databases (ExAC no frequency). This sequence change replaces glutamic acid with valine at codon 501 of the BRAF protein (p.Glu501Val). The glutamic acid residue is highly conserved and there is a moderate physicochemical difference between glutamic acid and valine.

Laboratory for Molecular Medicine, Mass General Brigham Personalized Medicine
Classification: Likely pathogenic for Cardio-facio-cutaneous syndrome. Last evaluated: 2014-09-24. Review status: criteria provided, single submitter. Criteria: LMM Criteria. Collection method: clinical testing. Allele origin: germline. Observed: 2 variant alleles.
Comment: The Glu501Val variant in BRAF has been reported in three individuals with clinic al features of Cardio-facio-cutaneous syndrome (Yoon 2007, Nava 2007, LMM unpubl ished data). It was also absent from large population studies. Different disease -causing amino acid changes (Glu501Lys, Glu501Gly) at this location have been id entified in >10 affected individuals and both of these variants were reported to have occurred de novo in two individuals (Razzaque 2007,Narumi 2007, Niihori 20 06, Rodriguez-Viciana 2006,Rodriguez-Viciana 2008, LMM unpublished data) suggest ing that changes at this position are not tolerated. Additionally, computational prediction tools and evolutionary conservation analysis suggest that the Glu501 Val variant may impact the protein, though this information is not predictive e nough to determine pathogenicity. In summary, the Glu501Val variant is likely pa thogenic, though additional studies are required to fully establish its clinical significance.

Division of Human Genetics, National Health Laboratory Service/University of the Witwatersrand
Classification: Pathogenic for Cardiofaciocutaneous syndrome 1. Review status: no assertion criteria provided. Collection method: research. Allele origin: unknown. Affected: yes. Observed: 1 variant allele. Not counted in ClinVar's aggregate classification.

Literature cited by the submitters: PubMed 17704260 (cited by 3billion and Laboratory for Molecular Medicine, Mass General Brigham Personalized Medicine); PubMed 18039235 (cited by Labcorp Genetics (formerly Invitae), Labcorp and Laboratory for Molecular Medicine, Mass General Brigham Personalized Medicine); PubMed 30094826 (cited by Labcorp Genetics (formerly Invitae), Labcorp).